The following is an entry in ClinVar:

NM_001164508.2(NEB):c.7329_7330del (p.Ser2443fs)

Gene: NEB (nebulin; minus strand). Cytogenetic location: 2q23.3.
Variant type: Deletion.
Coding change: c.7329_7330del on transcript NM_001164508.2 (MANE Select); coding-DNA positions 7329 to 7330, 2 bases deleted (TG; older notation c.7329_7330delTG).
Protein change: p.Ser2443fs; shifts the reading frame from serine 2443.
Molecular consequence: frameshift variant.
Genome position (GRCh38, 1-based): chr2:151,650,277-151,650,278, CA deleted on the plus strand (TG on the coding strand, the reverse complement: NEB is on the minus strand); deleting any 2 consecutive bases within chr2:151,650,277-151,650,279 gives the same sequence; the c. name uses the placement nearest the transcript's 3' end. VCF-style (leftmost placement, unchanged base first): chr2-151650276-TCA-T. GRCh37 (hg19) VCF-style: chr2-152506790-TCA-T.
Other names: c.7329_7330del, p.Ser2443fs (NM_001164507.2, NM_001271208.2, NM_004543.5); short protein forms S2443fs.
Identifiers: ClinVar variation 1724961 (VCV001724961.2), dbSNP rs2552249684, ClinGen allele CA2580064164.
Genomic context (GRCh38, chr2:151,650,276, plus strand): 5'-TCCATGGCATCAGGAATGCTGGTGAACTTGTTTCTGTCTGGAGGCTGACGATATTTCTTC[TCA>T]CTGATGATTTCCGAAGCCCGCTTGTTCTTTTCTGCCTCTAAAGAACCCAAGGGACTCCAT-3'

ClinVar aggregate classification (germline): Likely pathogenic (1 of 4 stars; one submission).

Conditions:
Nemaline myopathy 2 (NEM2). Also called: Nemaline myopathy 2, autosomal recessive. Identifiers: MedGen C1850569, MONDO:0009725, OMIM 256030.

Submission:

Myriad Genetics, Inc.
Classification: Likely pathogenic for Nemaline myopathy 2. Last evaluated: 2022-03-03. Review status: criteria provided, single submitter. Criteria: Myriad Women's Health Autosomal Recessive and X-Linked Classification Criteria (2021). Collection method: clinical testing. Allele origin: unknown.
Comment: NM_001271208.1(NEB):c.7329_7330delTG(S2443Rfs*18) is expected to be pathogenic in the context of NEB-related nemaline myopathy. This variant is predicted to lead to an abnormal or absent protein product due to the creation of a premature termination codon in NEB, a gene where loss-of-function variants are known to be pathogenic. Please note: this variant was assessed in the context of healthy population screening.